The following is an entry in ClinVar:

ClinVar aggregate classification (germline): Uncertain significance (1 of 4 stars; one submission).

Conditions:
Combined immunodeficiency due to DOCK8 deficiency (HIES2). Also called: HYPER-IgE SYNDROME 2, AUTOSOMAL RECESSIVE, WITH RECURRENT INFECTIONS; DOCK8 Deficiency; HIES autosomal recessive; Hyper-IgE recurrent infection syndrome, autosomal recessive; HYPER-IgE RECURRENT INFECTION SYNDROME 2, AUTOSOMAL RECESSIVE. Identifiers: Orphanet 217390, MedGen C4722305, MONDO:0009478, OMIM 243700.

Submission:

Labcorp Genetics (formerly Invitae), Labcorp
Classification: Uncertain significance for Combined immunodeficiency due to DOCK8 deficiency. Last evaluated: 2025-01-18. Review status: criteria provided, single submitter. Criteria: Invitae Variant Classification Sherloc (09022015). Collection method: clinical testing. Allele origin: germline.
Comment: This sequence change replaces leucine, which is neutral and non-polar, with valine, which is neutral and non-polar, at codon 1462 of the DOCK8 protein (p.Leu1462Val). This variant is not present in population databases (gnomAD no frequency). This variant has not been reported in the literature in individuals affected with DOCK8-related conditions. Invitae Evidence Modeling of protein sequence and biophysical properties (such as structural, functional, and spatial information, amino acid conservation, physicochemical variation, residue mobility, and thermodynamic stability) has been performed for this missense variant. However, the output from this modeling did not meet the statistical confidence thresholds required to predict the impact of this variant on DOCK8 protein function. In summary, the available evidence is currently insufficient to determine the role of this variant in disease. Therefore, it has been classified as a Variant of Uncertain Significance.

NM_203447.4(DOCK8):c.4384C>G (p.Leu1462Val)

Gene: DOCK8 (dedicator of cytokinesis 8; plus strand). Cytogenetic location: 9p24.3.
Variant type: single nucleotide variant.
Coding change: c.4384C>G on transcript NM_203447.4 (MANE Select); coding-DNA position 4384, C replaced by G.
Protein change: p.Leu1462Val; replaces leucine 1462 with valine.
Molecular consequence: missense variant.
Genome position (GRCh38, 1-based): chr9:428,407, C>G. VCF-style: chr9-428407-C-G. GRCh37 (hg19) VCF-style: chr9-428407-C-G.
Other names: c.4084C>G, p.Leu1362Val (NM_001190458.2); c.4180C>G, p.Leu1394Val (NM_001193536.2); short protein forms L1362V, L1394V, L1462V.
Identifiers: ClinVar variation 3666673 (VCV003666673.2).